The following is an entry in ClinVar:

ClinVar aggregate classification (germline): Uncertain significance (1 of 4 stars; one submission).

Conditions:
KMT2D-related disorder. Also called: KMT2D-Related Disorders.

gnomAD v4.1: 2 of 1,613,996 alleles (0.00012%); highest among the groups gnomAD compares: Admixed American, 0.0017%; no homozygotes.

Submission:

PreventionGenetics, part of Exact Sciences
Classification: Uncertain significance for KMT2D-related condition. Last evaluated: 2026-03-26. Review status: criteria provided, single submitter. Criteria: ACMG Guidelines, 2015. Collection method: clinical testing. Allele origin: germline.
Comment: The KMT2D c.16166G>A variant is predicted to result in the amino acid substitution p.Arg5389Gln. To our knowledge, this variant has not been reported in the literature. This variant is reported in 0.0029% of alleles in individuals of Latino descent in gnomAD. At this time, the clinical significance of this variant is uncertain due to the absence of conclusive functional and genetic evidence.

NM_003482.4(KMT2D):c.16166G>A (p.Arg5389Gln)

Gene: KMT2D (lysine methyltransferase 2D; minus strand). Cytogenetic location: 12q13.12.
Variant type: single nucleotide variant.
Coding change: c.16166G>A on transcript NM_003482.4 (MANE Select); coding-DNA position 16166, G replaced by A.
Protein change: p.Arg5389Gln; replaces arginine 5389 with glutamine.
Molecular consequence: missense variant.
Genome position (GRCh38, 1-based): chr12:49,022,762, C>T on the plus strand (G>A on the coding strand, the complement: KMT2D is on the minus strand). VCF-style: chr12-49022762-C-T. GRCh37 (hg19) VCF-style: chr12-49416545-C-T.
Other names: short protein forms R5389Q.
Identifiers: ClinVar variation 4996108 (VCV004996108.1).